The following is an entry in ClinVar:

ClinVar aggregate classification (germline): Uncertain significance (1 of 4 stars; one submission).

Conditions:
Birt-Hogg-Dube syndrome. Also called: Birt Hogg Dubé syndrome. Identifiers: Orphanet 122, MedGen C0346010, MONDO:0800444.

Allele frequency attached by ClinVar (database versions not stated): gnomAD exomes below 0.00001.
gnomAD v4.1: 1 of 1,613,886 alleles (0.000062%); highest among the groups gnomAD compares: East Asian, 0.0022%; no homozygotes.

Submission:

Labcorp Genetics (formerly Invitae), Labcorp
Classification: Uncertain significance for Birt-Hogg-Dube syndrome. Last evaluated: 2020-01-15. Review status: criteria provided, single submitter. Criteria: Invitae Variant Classification Sherloc (09022015). Collection method: clinical testing. Allele origin: germline.
Comment: In summary, the available evidence is currently insufficient to determine the role of this variant in disease. Therefore, it has been classified as a Variant of Uncertain Significance. Algorithms developed to predict the effect of missense changes on protein structure and function are either unavailable or do not agree on the potential impact of this missense change (SIFT: "Tolerated"; PolyPhen-2: "Possibly Damaging"; Align-GVGD: "Class C0"). This variant has not been reported in the literature in individuals with FLCN-related conditions. This variant is not present in population databases (ExAC no frequency). This sequence change replaces glutamine with arginine at codon 167 of the FLCN protein (p.Gln167Arg). The glutamine residue is highly conserved and there is a small physicochemical difference between glutamine and arginine.

NM_144997.7(FLCN):c.500A>G (p.Gln167Arg)

Gene: FLCN (folliculin; minus strand). Cytogenetic location: 17p11.2.
Variant type: single nucleotide variant.
Coding change: c.500A>G on transcript NM_144997.7 (MANE Select); coding-DNA position 500, A replaced by G.
Protein change: p.Gln167Arg; replaces glutamine 167 with arginine.
Molecular consequence: missense variant.
Genome position (GRCh38, 1-based): chr17:17,224,040, T>C on the plus strand (A>G on the coding strand, the complement: FLCN is on the minus strand). VCF-style: chr17-17224040-T-C. GRCh37 (hg19) VCF-style: chr17-17127354-T-C.
Other names: c.554A>G, p.Gln185Arg (NM_001353229.2); c.500A>G, p.Gln167Arg (NM_001353230.2, NM_001353231.2, NM_144606.7); short protein forms Q185R, Q167R.
Identifiers: ClinVar variation 948108 (VCV000948108.7), dbSNP rs1597606955, ClinGen allele CA398534421.